The following is an entry in ClinVar:

NM_000516.7(GNAS):c.252C>T (p.Ser84=)

Gene: GNAS (GNAS complex locus; plus strand). Cytogenetic location: 20q13.32.
Variant type: single nucleotide variant.
Coding change: c.252C>T on transcript NM_000516.7 (MANE Select); coding-DNA position 252, C replaced by T.
Protein change: p.Ser84=; no amino-acid change (serine 84 retained).
Molecular consequence: synonymous variant. On other transcripts: 3 prime UTR variant (3), non-coding transcript variant (2), intron variant (2).
Genome position (GRCh38, 1-based): chr20:58,898,980, C>T. VCF-style: chr20-58898980-C-T. GRCh37 (hg19) VCF-style: chr20-57474035-C-T.
Other names: c.252C>T, p.Ser84= (NM_001077488.5, NM_001309842.2); c.*113C>T (NM_001077490.3); c.75C>T, p.Ser25= (NM_001309840.2, NM_001309861.2); c.*271C>T (NM_001309883.1); c.*155C>T (NM_016592.5); c.2181C>T, p.Ser727= (NM_080425.4); c.212+3296C>T (NM_080426.4, NM_001077489.4); c.252C>T (NM_000516.5).
Identifiers: ClinVar variation 1597389 (VCV001597389.12), dbSNP rs1395630112, ClinGen allele CA511083607.

ClinVar aggregate classification (germline): Likely benign. Review status: criteria provided, multiple submitters, no conflicts (2 of 4 stars). 3 submissions from 3 submitters: Likely benign (2). 1 of the submissions does not count toward it. Last evaluated 2023-11-02.

Conditions:
GNAS-related disorder. Identifiers: MedGen CN380105.

Allele frequency attached by ClinVar (database versions not stated): gnomAD 0.00001; gnomAD exomes 0.00001 and 0.00002; TOPMed 0.00001.
gnomAD v4.1: 24 of 1,612,018 alleles (0.0015%); highest among the groups gnomAD compares: East Asian, 0.0045%; no homozygotes.

Submissions (3):

Blueprint Genetics
Classification: Likely benign. Last evaluated: 2023-11-02. Review status: criteria provided, single submitter. Criteria: ACMG Guidelines, 2015. Collection method: clinical testing. Allele origin: germline.

Labcorp Genetics (formerly Invitae), Labcorp
Classification: Likely benign. Last evaluated: 2023-10-04. Review status: criteria provided, single submitter. Criteria: Invitae Variant Classification Sherloc (09022015). Collection method: clinical testing. Allele origin: germline.

PreventionGenetics, part of Exact Sciences
Classification: Likely benign for GNAS-related condition. Last evaluated: 2023-05-01. Review status: no assertion criteria provided. Collection method: clinical testing. Allele origin: germline. Not counted in ClinVar's aggregate classification.
Comment: This variant is classified as likely benign based on ACMG/AMP sequence variant interpretation guidelines (Richards et al. 2015 PMID: 25741868, with internal and published modifications).